The following is an entry in ClinVar:

NM_016169.4(SUFU):c.700C>G (p.Leu234Val)

Gene: SUFU (SUFU negative regulator of hedgehog signaling; plus strand). Cytogenetic location: 10q24.32.
Variant type: single nucleotide variant.
Coding change: c.700C>G on transcript NM_016169.4 (MANE Select); coding-DNA position 700, C replaced by G.
Protein change: p.Leu234Val; replaces leucine 234 with valine.
Molecular consequence: missense variant.
Genome position (GRCh38, 1-based): chr10:102,594,009, C>G. VCF-style: chr10-102594009-C-G. GRCh37 (hg19) VCF-style: chr10-104353766-C-G.
Other names: c.700C>G, p.Leu234Val (NM_001178133.2); short protein forms L234V.
Identifiers: ClinVar variation 1756666 (VCV001756666.2), dbSNP rs2545086803, ClinGen allele CA377909751.

ClinVar aggregate classification (germline): Uncertain significance (1 of 4 stars; one submission).

Conditions:
Hereditary cancer-predisposing syndrome. Also called: Neoplastic Syndromes, Hereditary; Tumor predisposition; Hereditary Cancer Syndrome; Hereditary neoplastic syndrome. Identifiers: Orphanet 140162, MedGen C0027672, MeSH D009386, MONDO:0015356.

Submission:

Ambry Genetics
Classification: Uncertain significance for Hereditary cancer-predisposing syndrome. Last evaluated: 2022-05-21. Review status: criteria provided, single submitter. Criteria: Ambry Variant Classification Scheme 2023. Collection method: clinical testing. Allele origin: germline.
Comment: The p.L234V variant (also known as c.700C>G), located in coding exon 6 of the SUFU gene, results from a C to G substitution at nucleotide position 700. The leucine at codon 234 is replaced by valine, an amino acid with highly similar properties. This amino acid position is conserved. In addition, this alteration is predicted to be deleterious by in silico analysis. Since supporting evidence is limited at this time, the clinical significance of this alteration remains unclear.